The following is an entry in ClinVar:

ClinVar aggregate classification (germline): Likely pathogenic. Review status: criteria provided, multiple submitters, no conflicts (2 of 4 stars). 4 submissions from 4 submitters: Likely pathogenic (4). Last evaluated 2025-09-26.

Conditions:
Charlevoix-Saguenay spastic ataxia (SACS). Also called: Spastic ataxia of Charlevoix-Saguenay; SPASTIC ATAXIA 6, AUTOSOMAL RECESSIVE; AUTOSOMAL RECESSIVE SPASTIC ATAXIA OF CHARLEVOIX-SAGUENAY. Identifiers: Orphanet 98, MedGen C1849140, MONDO:0010041, OMIM 270550.

Submissions (4):

Natera, Inc.
Classification: Likely pathogenic for Charlevoix-Saguenay type spastic ataxia. Last evaluated: 2025-09-26. Review status: criteria provided, single submitter. Criteria: Natera Variant Classification Schema (03/2026). Collection method: clinical testing. Allele origin: germline.
Comment: The c.2886_2887del variant in SACS is a frameshift variant predicted to shift the reading frame beginning at codon 963 and leads to a stop codon 7 codons downstream. This variant is expected to result in nonsense mediated decay, truncation, or a dysfunctional protein product. This variant is rare in the general population with a frequency below the threshold expected for the associated phenotype(s). Given the available evidence, this variant is classified as Likely Pathogenic.

Fulgent Genetics
Classification: Likely pathogenic for Charlevoix-Saguenay spastic ataxia. Last evaluated: 2024-04-23. Review status: criteria provided, single submitter. Criteria: ACMG Guidelines, 2015. Collection method: clinical testing. Allele origin: germline.

Baylor Genetics
Classification: Likely pathogenic for Charlevoix-Saguenay spastic ataxia. Last evaluated: 2023-08-29. Review status: criteria provided, single submitter. Criteria: ACMG Guidelines, 2015. Collection method: clinical testing. Allele origin: unknown.

Athena Diagnostics
Classification: Likely pathogenic. Last evaluated: 2018-09-18. Review status: criteria provided, single submitter. Criteria: Athena Diagnostics Criteria. Collection method: clinical testing. Allele origin: germline.
Comment: The variant results in a shift of the reading frame, and is therefore predicted to significantly disrupt the protein structure. The best available variant frequency is uninformative because there are too few occurrences in population data.

NM_014363.6(SACS):c.2886_2887del (p.Ser963fs)

Gene: SACS (sacsin molecular chaperone; minus strand). Cytogenetic location: 13q12.12.
Variant type: Deletion.
Coding change: c.2886_2887del on transcript NM_014363.6 (MANE Select); coding-DNA positions 2886 to 2887, 2 bases deleted (TT; older notation c.2886_2887delTT).
Protein change: p.Ser963fs; shifts the reading frame from serine 963.
Molecular consequence: frameshift variant.
Genome position (GRCh38, 1-based): chr13:23,340,989-23,340,990, AA deleted on the plus strand (TT on the coding strand, the reverse complement: SACS is on the minus strand); deleting any 2 consecutive bases within chr13:23,340,989-23,340,991 gives the same sequence; the c. name uses the placement nearest the transcript's 3' end. VCF-style (leftmost placement, unchanged base first): chr13-23340988-GAA-G. GRCh37 (hg19) VCF-style: chr13-23915127-GAA-G.
Other names: c.2445_2446del, p.Ser816fs (NM_001278055.2); c.2886_2887del (NM_014363.5); short protein forms S816fs, S963fs.
Identifiers: ClinVar variation 805295 (VCV000805295.4), dbSNP rs1326359185, ClinGen allele CA608985282.
Genomic context (GRCh38, chr13:23,340,988, plus strand): 5'-ATTTTCAACATGTTTGCCAGACGAATAGTAGCTTCATCACTACTGTCTATTACTGAAATA[GAA>G]AGTCGCAGATCTGCTGGGAGTTTGGCAGTATGGTGTAAGACTTTACAACCTTTCAATTTT-3'